The following is an entry in ClinVar:

NM_015346.4(ZFYVE26):c.5612G>A (p.Cys1871Tyr)

Gene: ZFYVE26 (zinc finger FYVE-type containing 26; minus strand). Cytogenetic location: 14q24.1.
Variant type: single nucleotide variant.
Coding change: c.5612G>A on transcript NM_015346.4 (MANE Select); coding-DNA position 5612, G replaced by A.
Protein change: p.Cys1871Tyr; replaces cysteine 1871 with tyrosine.
Molecular consequence: missense variant.
Genome position (GRCh38, 1-based): chr14:67,769,603, C>T on the plus strand (G>A on the coding strand, the complement: ZFYVE26 is on the minus strand). VCF-style: chr14-67769603-C-T. GRCh37 (hg19) VCF-style: chr14-68236320-C-T.
Other names: p.Cys1871Tyr; short protein forms C1871Y.
Identifiers: ClinVar variation 219560 (VCV000219560.55), dbSNP rs61746722, ClinGen allele CA349776.

ClinVar aggregate classification (germline): Benign. Review status: criteria provided, multiple submitters, no conflicts (2 of 4 stars). 11 submissions from 11 submitters: Benign (9). 2 of the submissions do not count toward it. Last evaluated 2026-09-01.

Conditions:
Spastic paraplegia. Identifiers: MedGen C0037772, HP:0001258.
Hereditary spastic paraplegia. Also called: Familial spastic paraparesis. Identifiers: Orphanet 685, MedGen C0037773, MONDO:0019064. Disease mechanism: loss of function.
Hereditary spastic paraplegia 15 (SPG15). Also called: KJELLIN SYNDROME; SPASTIC PARAPLEGIA AND RETINAL DEGENERATION; SPASTIC PARAPLEGIA 15, AUTOSOMAL RECESSIVE. Identifiers: Orphanet 100996, MedGen C1849128, MONDO:0010044, OMIM 270700.

Allele frequency attached by ClinVar (database versions not stated): 1000 Genomes Project 30x 0.00500; 1000 Genomes Project 0.00519; ESP Exome Variant Server 0.00892; ExAC 0.00961; gnomAD 0.00962; TOPMed 0.00967; gnomAD exomes 0.00999 and 0.01213.
gnomAD v4.1: 19,352 of 1,613,904 alleles (1.2%); highest among the groups gnomAD compares: Middle Eastern, 1.8%; 151 homozygotes.

Submissions (11):

CeGaT Center for Human Genetics Tuebingen
Classification: Benign. Last evaluated: 2026-09-01. Review status: criteria provided, single submitter. Criteria: CeGaT Center For Human Genetics Tuebingen Variant Classification Criteria Version 2. Collection method: clinical testing. Allele origin: germline. Affected: yes. Observed: 67 variant alleles.
Comment: ZFYVE26: BP4, BS1, BS2

Labcorp Genetics (formerly Invitae), Labcorp
Classification: Benign for Spastic paraplegia. Last evaluated: 2026-02-02. Review status: criteria provided, single submitter. Criteria: Invitae Variant Classification Sherloc (09022015). Collection method: clinical testing. Allele origin: germline.

Genome-Nilou Lab
Classification: Benign for Hereditary spastic paraplegia 15. Last evaluated: 2021-12-05. Review status: criteria provided, single submitter. Criteria: ACMG Guidelines, 2015. Collection method: clinical testing. Allele origin: germline. Affected: no.

Genome Diagnostics Laboratory, The Hospital for Sick Children
Classification: Benign for Hereditary spastic paraplegia. Last evaluated: 2021-11-17. Review status: criteria provided, single submitter. Criteria: ACMG Guidelines, 2015. Collection method: clinical testing. Allele origin: germline. Affected: yes.

Athena Diagnostics
Classification: Benign. Last evaluated: 2018-04-24. Review status: criteria provided, single submitter. Criteria: Athena Diagnostics Criteria. Collection method: clinical testing. Allele origin: germline.

Illumina Laboratory Services, Illumina
Classification: Benign for Hereditary spastic paraplegia 15. Last evaluated: 2017-04-27. Review status: criteria provided, single submitter. Criteria: ICSL Variant Classification Criteria 13 December 2019. Collection method: clinical testing. Allele origin: germline.
Comment: This variant was observed as part of a predisposition screen in an ostensibly healthy population. A literature search was performed for the gene, cDNA change, and amino acid change (where applicable). Publications were found based on this search. The evidence from the literature, in combination with allele frequency data from public databases where available, was sufficient to rule this variant out of causing disease. Therefore, this variant is classified as benign.

GeneDx
Classification: Benign. Last evaluated: 2016-07-06. Review status: criteria provided, single submitter. Criteria: GeneDx Variant Classification (06012015). Collection method: clinical testing. Allele origin: germline. Affected: yes.
Comment: This variant is considered likely benign or benign based on one or more of the following criteria: it is a conservative change, it occurs at a poorly conserved position in the protein, it is predicted to be benign by multiple in silico algorithms, and/or has population frequency not consistent with disease.

Mayo Clinic Laboratories, Mayo Clinic
Classification: Benign. Last evaluated: 2016-04-13. Review status: criteria provided, single submitter. Criteria: ACMG Guidelines, 2015. Collection method: clinical testing. Allele origin: germline. Observed: 50 variant alleles.

Breakthrough Genomics
Classification: Benign. Review status: criteria provided, single submitter. Criteria: ACMG Guidelines, 2015. Collection method: not provided. Allele origin: germline. Inheritance: Autosomal recessive inheritance. Affected: yes.

Joint Genome Diagnostic Labs from Nijmegen and Maastricht, Radboudumc and MUMC+
Classification: Likely benign. Review status: no assertion criteria provided. Collection method: clinical testing. Allele origin: germline. Affected: yes. Study: VKGL Data-share Consensus. Not counted in ClinVar's aggregate classification.

Laboratory of Diagnostic Genome Analysis, Leiden University Medical Center (LUMC)
Classification: Likely benign. Review status: no assertion criteria provided. Collection method: clinical testing. Allele origin: germline. Affected: yes. Study: VKGL Data-share Consensus. Not counted in ClinVar's aggregate classification.

Literature cited by the submitters: PubMed 19917823 (cited by Athena Diagnostics and Illumina Laboratory Services, Illumina).